The following is an entry in ClinVar:

ClinVar aggregate classification (germline): Uncertain significance. Review status: criteria provided, multiple submitters, no conflicts (2 of 4 stars). 2 submissions from 2 submitters: Uncertain significance (2). Last evaluated 2022-09-06.

Conditions:
Retinitis pigmentosa (RP). Identifiers: Orphanet 791, MedGen C0035334, MeSH D012174, MONDO:0019200, OMIM 268000. Inheritance: Autosomal dominant, autosomal recessive and X linked inheritance.
Retinitis pigmentosa 59 (RP59). Identifiers: Orphanet 791, MedGen C3151227, MONDO:0013468, OMIM 613861.

Allele frequency attached by ClinVar (database versions not stated): gnomAD 0.00001 and 0.00004; TOPMed 0.00001; ExAC 0.00007; 1000 Genomes Project 0.00040; 1000 Genomes Project 30x 0.00062.

Submissions (2):

Labcorp Genetics (formerly Invitae), Labcorp
Classification: Uncertain significance for Retinitis pigmentosa 59. Last evaluated: 2022-09-06. Review status: criteria provided, single submitter. Criteria: Invitae Variant Classification Sherloc (09022015). Collection method: clinical testing. Allele origin: germline.
Comment: This sequence change replaces arginine, which is basic and polar, with glutamine, which is neutral and polar, at codon 307 of the DHDDS protein (p.Arg307Gln). This variant is present in population databases (rs543487813, gnomAD 0.06%). This variant has not been reported in the literature in individuals affected with DHDDS-related conditions. ClinVar contains an entry for this variant (Variation ID: 297078). Algorithms developed to predict the effect of missense changes on protein structure and function are either unavailable or do not agree on the potential impact of this missense change (SIFT: "Tolerated"; PolyPhen-2: "Possibly Damaging"; Align-GVGD: "Class C0"). Algorithms developed to predict the effect of sequence changes on RNA splicing suggest that this variant may create or strengthen a splice site. In summary, the available evidence is currently insufficient to determine the role of this variant in disease. Therefore, it has been classified as a Variant of Uncertain Significance.

Illumina Laboratory Services, Illumina
Classification: Uncertain significance for Retinitis pigmentosa. Last evaluated: 2018-01-13. Review status: criteria provided, single submitter. Criteria: ICSL Variant Classification Criteria 13 December 2019. Collection method: clinical testing. Allele origin: germline.

NM_205861.3(DHDDS):c.917G>A (p.Arg306Gln)

Gene: DHDDS (dehydrodolichyl diphosphate synthase subunit; plus strand). Cytogenetic location: 1p36.11.
Variant type: single nucleotide variant.
Coding change: c.917G>A on transcript NM_205861.3 (MANE Select); coding-DNA position 917, G replaced by A.
Protein change: p.Arg306Gln; replaces arginine 306 with glutamine.
Molecular consequence: missense variant.
Genome position (GRCh38, 1-based): chr1:26,469,046, G>A. VCF-style: chr1-26469046-G-A. GRCh37 (hg19) VCF-style: chr1-26795537-G-A.
Other names: c.815G>A, p.Arg272Gln (NM_001243564.2); c.800G>A, p.Arg267Gln (NM_001243565.2); c.638G>A, p.Arg213Gln (NM_001319959.2); c.920G>A, p.Arg307Gln (NM_024887.4); short protein forms R307Q, R213Q, R267Q, R306Q, R272Q.
Identifiers: ClinVar variation 297078 (VCV000297078.6), dbSNP rs543487813, ClinGen allele CA705491.